The following is an entry in ClinVar:

ClinVar aggregate classification (germline): Uncertain significance (1 of 4 stars; one submission).

Allele frequency attached by ClinVar (database versions not stated): ExAC 0.00001; TOPMed 0.00002; gnomAD exomes 0.00003; gnomAD 0.00005.
gnomAD v4.1: 46 of 1,611,646 alleles (0.0029%); highest among the groups gnomAD compares: Non-Finnish European, 0.0037%; no homozygotes.

Submission:

Labcorp Genetics (formerly Invitae), Labcorp
Classification: Uncertain significance. Last evaluated: 2024-08-02. Review status: criteria provided, single submitter. Criteria: Invitae Variant Classification Sherloc (09022015). Collection method: clinical testing. Allele origin: germline.
Comment: This sequence change replaces alanine, which is neutral and non-polar, with glutamic acid, which is acidic and polar, at codon 3 of the PCYT1A protein (p.Ala3Glu). This variant is present in population databases (rs765878411, gnomAD 0.004%). This variant has not been reported in the literature in individuals affected with PCYT1A-related conditions. ClinVar contains an entry for this variant (Variation ID: 2062226). Advanced modeling of protein sequence and biophysical properties (such as structural, functional, and spatial information, amino acid conservation, physicochemical variation, residue mobility, and thermodynamic stability) performed at Invitae indicates that this missense variant is not expected to disrupt PCYT1A protein function with a negative predictive value of 80%. In summary, the available evidence is currently insufficient to determine the role of this variant in disease. Therefore, it has been classified as a Variant of Uncertain Significance.

NM_001312673.2(PCYT1A):c.8C>A (p.Ala3Glu)

Gene: PCYT1A (phosphate cytidylyltransferase 1A, choline; minus strand). Cytogenetic location: 3q29.
Variant type: single nucleotide variant.
Coding change: c.8C>A on transcript NM_001312673.2 (MANE Select); coding-DNA position 8, C replaced by A.
Protein change: p.Ala3Glu; replaces alanine 3 with glutamic acid.
Molecular consequence: missense variant.
Genome position (GRCh38, 1-based): chr3:196,270,524, G>T on the plus strand (C>A on the coding strand, the complement: PCYT1A is on the minus strand). VCF-style: chr3-196270524-G-T. GRCh37 (hg19) VCF-style: chr3-195997395-G-T.
Other names: c.8C>A, p.Ala3Glu (NM_005017.4); short protein forms A3E.
Identifiers: ClinVar variation 2062226 (VCV002062226.2), dbSNP rs765878411, ClinGen allele CA2779675.